The following is an entry in ClinVar:

NM_003632.3(CNTNAP1):c.4021C>T (p.Gln1341Ter)

Genes: CNTNAP1 (contactin associated protein 1; plus strand), LOC128669077 (EZH1 +46 kb erythroid enhancer; plus strand). Cytogenetic location: 17q21.2.
Variant type: single nucleotide variant.
Coding change: c.4021C>T on transcript NM_003632.3 (MANE Select); coding-DNA position 4021, C replaced by T.
Protein change: p.Gln1341Ter; replaces glutamine 1341 with a stop codon.
Molecular consequence: nonsense.
Genome position (GRCh38, 1-based): chr17:42,698,776, C>T. VCF-style: chr17-42698776-C-T. GRCh37 (hg19) VCF-style: chr17-40850794-C-T.
Other names: short protein forms Q1341*.
Identifiers: ClinVar variation 523825 (VCV000523825.2), dbSNP rs143154224, ClinGen allele CA399631617.
Genomic context (GRCh38, chr17:42,698,776, plus strand): 5'-AAGGCTGCCCACGAGTACCATCCTGGCAGCAAACCTCCCCTACCCACTTCAGGCCCTGCC[C>T]AGGTCCCCACCCCTACAGCAGCTCCCAACCAAGCTCCAGCCTCAGCCCCAGCCCCAGCCC-3'

ClinVar aggregate classification (germline): Uncertain significance (1 of 4 stars; one submission).

Submission:

GeneDx
Classification: Uncertain significance. Last evaluated: 2018-03-27. Review status: criteria provided, single submitter. Criteria: GeneDx Variant Classification (06012015). Collection method: clinical testing. Allele origin: germline. Affected: yes.
Comment: The Q1341X variant in the CNTNAP1 gene has not been reported previously as a pathogenic variant nor as a benign variant, to our knowledge. This variant is predicted to cause loss of normal protein function through protein truncation. The Q1341X variant is not observed in large population cohorts (Lek et al., 2016). We interpret Q1341X as a variant of uncertain significance.